The following is an entry in ClinVar:

ClinVar aggregate classification (germline): Pathogenic. Review status: criteria provided, multiple submitters, no conflicts (2 of 4 stars). 2 submissions from 2 submitters: Pathogenic (2). Last evaluated 2025-04-29.

Conditions:
Inborn genetic diseases. Identifiers: MedGen C0950123, MeSH D030342.

Submissions (2):

GeneDx
Classification: Pathogenic. Last evaluated: 2025-04-29. Review status: criteria provided, single submitter. Criteria: GeneDx Variant Classification Process June 2021. Collection method: clinical testing. Allele origin: germline. Affected: yes.
Comment: Observed in patient with progressive dystonia in published literature (PMID: 32959737); Nonsense variant predicted to result in protein truncation or nonsense mediated decay in a gene for which loss of function is a known mechanism of disease; Not observed at significant frequency in large population cohorts (gnomAD); This variant is associated with the following publications: (PMID: 32959737)

Ambry Genetics
Classification: Pathogenic for Inborn genetic diseases. Last evaluated: 2020-06-11. Review status: criteria provided, single submitter. Criteria: Ambry Variant Classification Scheme 2023. Collection method: clinical testing. Allele origin: germline.
Comment: The alteration results in a premature stop codon: _x000D_ _x000D_ The c.104G>A (p.W35*) alteration, located in coding exon 1 of the NUS1 gene, results from a G to A substitution at nucleotide position 104. This changes the amino acid from a tryptophan (W) to a stop codon at amino acid position 35. This alteration is expected to result in loss of function by premature protein truncation or nonsense-mediated mRNA decay. Based on the available evidence, this alteration is classified as pathogenic.

NM_138459.5(NUS1):c.104G>A (p.Trp35Ter)

Gene: NUS1 (NUS1 dehydrodolichyl diphosphate synthase subunit; plus strand). Cytogenetic location: 6q22.1.
Variant type: single nucleotide variant.
Coding change: c.104G>A on transcript NM_138459.5 (MANE Select); coding-DNA position 104, G replaced by A.
Protein change: p.Trp35Ter; replaces tryptophan 35 with a stop codon.
Molecular consequence: nonsense.
Genome position (GRCh38, 1-based): chr6:117,675,774, G>A. VCF-style: chr6-117675774-G-A. GRCh37 (hg19) VCF-style: chr6-117996937-G-A.
Other names: short protein forms W35*.
Identifiers: ClinVar variation 985983 (VCV000985983.5), dbSNP rs1582461039, ClinGen allele CA365535906.